The following is an entry in ClinVar:

ClinVar aggregate classification (germline): Uncertain significance. Review status: criteria provided, multiple submitters, no conflicts (2 of 4 stars). 2 submissions from 2 submitters: Uncertain significance (2). Last evaluated 2024-04-18.

Conditions:
Peutz-Jeghers syndrome (PJS). Also called: Peutz-Jeghers polyposis; Periorificial lentiginosis syndrome; POLYPOSIS, HAMARTOMATOUS INTESTINAL; POLYPS-AND-SPOTS SYNDROME. Identifiers: Orphanet 2869, MedGen C0031269, MeSH D010580, MONDO:0008280, OMIM 175200.

Submissions (2):

Labcorp Genetics (formerly Invitae), Labcorp
Classification: Uncertain significance for Peutz-Jeghers syndrome. Last evaluated: 2024-04-18. Review status: criteria provided, single submitter. Criteria: Invitae Variant Classification Sherloc (09022015). Collection method: clinical testing. Allele origin: germline.
Comment: This sequence change replaces glutamic acid, which is acidic and polar, with aspartic acid, which is acidic and polar, at codon 342 of the STK11 protein (p.Glu342Asp). This variant is not present in population databases (gnomAD no frequency). This variant has not been reported in the literature in individuals affected with STK11-related conditions. ClinVar contains an entry for this variant (Variation ID: 979142). Advanced modeling of protein sequence and biophysical properties (such as structural, functional, and spatial information, amino acid conservation, physicochemical variation, residue mobility, and thermodynamic stability) performed at Invitae indicates that this missense variant is not expected to disrupt STK11 protein function with a negative predictive value of 95%. In summary, the available evidence is currently insufficient to determine the role of this variant in disease. Therefore, it has been classified as a Variant of Uncertain Significance.

Human Genome Sequencing Center Clinical Lab, Baylor College of Medicine
Classification: Uncertain significance for Peutz-Jeghers syndrome. Review status: criteria provided, single submitter. Criteria: ACMG Guidelines, 2015. Collection method: clinical testing. Allele origin: germline.

NM_000455.5(STK11):c.1026G>T (p.Glu342Asp)

Genes: STK11 (serine/threonine kinase 11; plus strand), LOC130062899 (ATAC-STARR-seq lymphoblastoid active region 13597; plus strand). Cytogenetic location: 19p13.3.
Variant type: single nucleotide variant.
Coding change: c.1026G>T on transcript NM_000455.5 (MANE Select); coding-DNA position 1026, G replaced by T.
Protein change: p.Glu342Asp; replaces glutamic acid 342 with aspartic acid.
Molecular consequence: missense variant.
Genome position (GRCh38, 1-based): chr19:1,223,090, G>T. VCF-style: chr19-1223090-G-T. GRCh37 (hg19) VCF-style: chr19-1223089-G-T.
Other names: short protein forms E342D.
Identifiers: ClinVar variation 979142 (VCV000979142.3), dbSNP rs1195673013, ClinGen allele CA402951751.